The following is an entry in ClinVar:

ClinVar aggregate classification (germline): Uncertain significance (1 of 4 stars; one submission).

Conditions:
Developmental and epileptic encephalopathy 94 (DEE94). Also called: Epileptic encephalopathy, childhood-onset; CHD2-Related Neurodevelopmental Disorders. Identifiers: Orphanet 1942, Orphanet 2382, MedGen C3809278, MONDO:0014150, OMIM 615369.

Submission:

Labcorp Genetics (formerly Invitae), Labcorp
Classification: Uncertain significance for Developmental and epileptic encephalopathy 94. Last evaluated: 2025-06-08. Review status: criteria provided, single submitter. Criteria: Invitae Variant Classification Sherloc (09022015). Collection method: clinical testing. Allele origin: germline.
Comment: This sequence change replaces arginine, which is basic and polar, with proline, which is neutral and non-polar, at codon 1158 of the CHD2 protein (p.Arg1158Pro). This variant is not present in population databases (gnomAD no frequency). This variant has not been reported in the literature in individuals affected with CHD2-related conditions. Invitae Evidence Modeling of protein sequence and biophysical properties (such as structural, functional, and spatial information, amino acid conservation, physicochemical variation, residue mobility, and thermodynamic stability) indicates that this missense variant is not expected to disrupt CHD2 protein function with a negative predictive value of 95%. In summary, the available evidence is currently insufficient to determine the role of this variant in disease. Therefore, it has been classified as a Variant of Uncertain Significance.

NM_001271.4(CHD2):c.3473G>C (p.Arg1158Pro)

Gene: CHD2 (chromodomain helicase DNA binding protein 2; plus strand). Cytogenetic location: 15q26.1.
Variant type: single nucleotide variant.
Coding change: c.3473G>C on transcript NM_001271.4 (MANE Select); coding-DNA position 3473, G replaced by C.
Protein change: p.Arg1158Pro; replaces arginine 1158 with proline.
Molecular consequence: missense variant.
Genome position (GRCh38, 1-based): chr15:92,992,876, G>C. VCF-style: chr15-92992876-G-C. GRCh37 (hg19) VCF-style: chr15-93536106-G-C.
Other names: short protein forms R1158P.
Identifiers: ClinVar variation 4802442 (VCV004802442.1).